The following is an entry in ClinVar:

ClinVar aggregate classification (germline): Uncertain significance. Review status: criteria provided, multiple submitters, no conflicts (2 of 4 stars). 3 submissions from 3 submitters: Uncertain significance (3). Last evaluated 2026-09-18.

Allele frequency attached by ClinVar (database versions not stated): gnomAD 0.00003 and 0.00004; gnomAD exomes 0.00003 and 0.00016; TOPMed 0.00007; ExAC 0.00013; 1000 Genomes Project 0.00020; 1000 Genomes Project 30x 0.00078.
gnomAD v4.1: 47 of 1,612,234 alleles (0.0029%); highest among the groups gnomAD compares: Admixed American, 0.078%; no homozygotes.

Submissions (3):

GeneDx
Classification: Uncertain significance. Last evaluated: 2026-09-18. Review status: criteria provided, single submitter. Criteria: GeneDx Variant Classification Process June 2021. Collection method: clinical testing. Allele origin: germline.
Comment: In silico analysis suggests that this missense variant does not alter protein structure/function; Has not been previously published as pathogenic or benign to our knowledge

Ambry Genetics
Classification: Uncertain significance. Last evaluated: 2024-07-09. Review status: criteria provided, single submitter. Criteria: Ambry Variant Classification Scheme 2023. Collection method: clinical testing. Allele origin: germline.

Labcorp Genetics (formerly Invitae), Labcorp
Classification: Uncertain significance. Last evaluated: 2020-09-28. Review status: criteria provided, single submitter. Criteria: Invitae Variant Classification Sherloc (09022015). Collection method: clinical testing. Allele origin: germline.
Comment: In summary, the available evidence is currently insufficient to determine the role of this variant in disease. Therefore, it has been classified as a Variant of Uncertain Significance. Experimental studies and prediction algorithms are not available or were not evaluated, and the functional significance of this variant is currently unknown. This variant has not been reported in the literature in individuals with ABCA2-related conditions. This variant is present in population databases (rs186322388, ExAC 0.1%). This sequence change replaces aspartic acid with asparagine at codon 994 of the ABCA2 protein (p.Asp994Asn). The aspartic acid residue is highly conserved and there is a small physicochemical difference between aspartic acid and asparagine.

NM_001606.5(ABCA2):c.2890G>A (p.Asp964Asn)

Gene: ABCA2 (ATP binding cassette subfamily A member 2; minus strand). Cytogenetic location: 9q34.3.
Variant type: single nucleotide variant.
Coding change: c.2890G>A on transcript NM_001606.5 (MANE Select); coding-DNA position 2890, G replaced by A.
Protein change: p.Asp964Asn; replaces aspartic acid 964 with asparagine.
Molecular consequence: missense variant.
Genome position (GRCh38, 1-based): chr9:137,016,607, C>T on the plus strand (G>A on the coding strand, the complement: ABCA2 is on the minus strand). VCF-style: chr9-137016607-C-T. GRCh37 (hg19) VCF-style: chr9-139911059-C-T.
Other names: c.2980G>A (NM_212533.2); c.2980G>A, p.Asp994Asn (NM_212533.3); short protein forms D964N, D994N.
Identifiers: ClinVar variation 1035648 (VCV001035648.12), dbSNP rs186322388, ClinGen allele CA5354960.